The following is an entry in ClinVar:

ClinVar aggregate classification (germline): Pathogenic/Likely pathogenic. Review status: criteria provided, multiple submitters, no conflicts (2 of 4 stars). 2 submissions from 2 submitters: Pathogenic (1); Likely pathogenic (1). Last evaluated 2024-05-04.

Conditions:
Mitochondrial complex I deficiency, nuclear type 10. Also called: Mitochondrial complex 1 deficiency, nuclear type 10. Identifiers: MedGen C4748768, MONDO:0032616, OMIM 618233.

Submissions (2):

Fulgent Genetics
Classification: Likely pathogenic for Mitochondrial complex I deficiency, nuclear type 10. Last evaluated: 2024-05-04. Review status: criteria provided, single submitter. Criteria: ACMG Guidelines, 2015. Collection method: clinical testing. Allele origin: germline.

Labcorp Genetics (formerly Invitae), Labcorp
Classification: Pathogenic. Last evaluated: 2023-09-18. Review status: criteria provided, single submitter. Criteria: Invitae Variant Classification Sherloc (09022015). Collection method: clinical testing. Allele origin: germline.
Comment: This variant has not been reported in the literature in individuals affected with NDUFAF2-related conditions. For these reasons, this variant has been classified as Pathogenic. This variant is not present in population databases (gnomAD no frequency). This sequence change creates a premature translational stop signal (p.Asn40Lysfs*18) in the NDUFAF2 gene. It is expected to result in an absent or disrupted protein product. Loss-of-function variants in NDUFAF2 are known to be pathogenic (PMID: 18180188).

Literature cited by the submitters: PubMed 18180188 (cited by Labcorp Genetics (formerly Invitae), Labcorp).

NM_174889.5(NDUFAF2):c.119dup (p.Asn40fs)

Gene: NDUFAF2 (NADH:ubiquinone oxidoreductase complex assembly factor 2; plus strand). Cytogenetic location: 5q12.1.
Variant type: Duplication.
Coding change: c.119dup on transcript NM_174889.5 (MANE Select); coding-DNA position 119, one base duplicated (A; older notation c.119dupA).
Protein change: p.Asn40fs; shifts the reading frame from asparagine 40.
Molecular consequence: frameshift variant.
Genome position (GRCh38, 1-based): chr5:60,945,374, A duplicated; the last of 2 consecutive A bases (chr5:60,945,373-60,945,374); duplicating either gives the same sequence. VCF-style (leftmost placement, unchanged base first): chr5-60945372-G-GA. GRCh37 (hg19) VCF-style: chr5-60241199-G-GA.
Other names: short protein forms N40fs.
Identifiers: ClinVar variation 2885898 (VCV002885898.4), dbSNP rs2531892396, ClinGen allele CA2673967537.
Genomic context (GRCh38, chr5:60,945,372, plus strand): 5'-GAAGGAGCACGTGGGCACGGACCAATTCGGGAACAAATACTACTACATCCCGCAGTACAA[G>GA]AACTGGAGAGGTGAGGTGGCGGCGTGGGCAGCGATTGCGTGGTCAGTGATTGCGAGGTCA-3'